The following is an entry in ClinVar:

ClinVar aggregate classification (germline): Uncertain significance (1 of 4 stars; one submission).

Submission:

Women's Health and Genetics/Laboratory Corporation of America, LabCorp
Classification: Uncertain significance. Last evaluated: 2019-07-22. Review status: criteria provided, single submitter. Criteria: LabCorp Variant Classification Summary - May 2015. Collection method: clinical testing. Allele origin: germline.
Comment: Variant summary: PCSK9 c.173A>G (p.His58Arg) results in a non-conservative amino acid change of the encoded protein sequence. Four of five in-silico tools predict a benign effect of the variant on protein function. The variant was absent in 189136 control chromosomes (gnomAD). The available data on variant occurrences in the general population are insufficient to allow any conclusion about variant significance. To our knowledge, no occurrence of c.173A>G in individuals affected with Familial Hypercholesterolemia and no experimental evidence demonstrating its impact on protein function have been reported. No clinical diagnostic laboratories have submitted clinical-significance assessments for this variant to ClinVar after 2014. Based on the evidence outlined above, the variant was classified as uncertain significance.

NM_174936.4(PCSK9):c.173A>G (p.His58Arg)

Gene: PCSK9 (proprotein convertase subtilisin/kexin type 9; plus strand). Cytogenetic location: 1p32.3.
Variant type: single nucleotide variant.
Coding change: c.173A>G on transcript NM_174936.4 (MANE Select); coding-DNA position 173, A replaced by G.
Protein change: p.His58Arg; replaces histidine 58 with arginine.
Molecular consequence: missense variant.
Genome position (GRCh38, 1-based): chr1:55,040,010, A>G. VCF-style: chr1-55040010-A-G. GRCh37 (hg19) VCF-style: chr1-55505683-A-G.
Other names: short protein forms H58R.
Identifiers: ClinVar variation 929096 (VCV000929096.1), dbSNP rs1644586889, ClinGen allele CA340483140.